The following is an entry in ClinVar:

ClinVar aggregate classification (germline): Uncertain significance (1 of 4 stars; one submission).

Conditions:
Dilated cardiomyopathy 1G (CMD1G). Identifiers: Orphanet 154, MedGen C1858763, MONDO:0011400, OMIM 604145.
Autosomal recessive limb-girdle muscular dystrophy type 2J (LGMDR10). Also called: MUSCULAR DYSTROPHY, LIMB-GIRDLE, AUTOSOMAL RECESSIVE 10; Limb-girdle muscular dystrophy, type 2J. Identifiers: Orphanet 140922, MedGen C1837342, MONDO:0012127, OMIM 608807.

Allele frequency attached by ClinVar (database versions not stated): gnomAD exomes below 0.00001.
gnomAD v4.1: 3 of 1,613,884 alleles (0.00019%); highest among the groups gnomAD compares: South Asian, 0.0011%; no homozygotes.

Submission:

Labcorp Genetics (formerly Invitae), Labcorp
Classification: Uncertain significance for Dilated cardiomyopathy 1G; Autosomal recessive limb-girdle muscular dystrophy type 2J. Last evaluated: 2022-07-19. Review status: criteria provided, single submitter. Criteria: Invitae Variant Classification Sherloc (09022015). Collection method: clinical testing. Allele origin: germline.
Comment: This variant has not been reported in the literature in individuals affected with TTN-related conditions. In summary, the available evidence is currently insufficient to determine the role of this variant in disease. Therefore, it has been classified as a Variant of Uncertain Significance. This variant is located in the M band of TTN (PMID: 25589632). Variants in this region may be relevant for neuromuscular disorders, but have not been definitively shown to cause cardiomyopathy (PMID: 23975875). Experimental studies and prediction algorithms are not available or were not evaluated, and the functional significance of this variant is currently unknown. ClinVar contains an entry for this variant (Variation ID: 1381026). This variant is present in population databases (no rsID available, gnomAD 0.003%). This sequence change replaces methionine with threonine at codon 34568 of the TTN protein (p.Met34568Thr). There is a moderate physicochemical difference between methionine and threonine.

Literature cited by the submitters: PubMed 25589632; PubMed 23975875.

NM_001267550.2(TTN):c.103703T>C (p.Met34568Thr)

Genes: TTN (titin; minus strand), TTN-AS1 (TTN antisense RNA 1; plus strand). Cytogenetic location: 2q31.2.
Variant type: single nucleotide variant.
Coding change: c.103703T>C on transcript NM_001267550.2 (MANE Select); coding-DNA position 103703, T replaced by C.
Protein change: p.Met34568Thr; replaces methionine 34568 with threonine.
Molecular consequence: missense variant.
Genome position (GRCh38, 1-based): chr2:178,532,912, A>G on the plus strand (T>C on the coding strand, the complement: TTN is on the minus strand). VCF-style: chr2-178532912-A-G. GRCh37 (hg19) VCF-style: chr2-179397639-A-G.
Other names: c.98780T>C, p.Met32927Thr (NM_001256850.1); c.76508T>C, p.Met25503Thr (NM_003319.4); c.95999T>C, p.Met32000Thr (NM_133378.4); c.76883T>C, p.Met25628Thr (NM_133432.3); c.77084T>C, p.Met25695Thr (NM_133437.4); short protein forms M32000T, M32927T, M25628T, M25503T, M34568T, M25695T.
Identifiers: ClinVar variation 1381026 (VCV001381026.6), dbSNP rs1350583693, ClinGen allele CA349413697.